The following is an entry in ClinVar:

NM_001012720.2(RGR):c.563C>T (p.Pro188Leu)

Gene: RGR (retinal G protein coupled receptor; plus strand). Cytogenetic location: 10q23.1.
Variant type: single nucleotide variant.
Coding change: c.563C>T on transcript NM_001012720.2 (MANE Select); coding-DNA position 563, C replaced by T.
Protein change: p.Pro188Leu; replaces proline 188 with leucine.
Molecular consequence: missense variant.
Genome position (GRCh38, 1-based): chr10:84,254,376, C>T. VCF-style: chr10-84254376-C-T. GRCh37 (hg19) VCF-style: chr10-86014132-C-T.
Other names: c.563C>T, p.Pro188Leu (NM_001012722.2); c.575C>T, p.Pro192Leu (NM_002921.4); short protein forms P192L, P188L.
Identifiers: ClinVar variation 2089950 (VCV002089950.4), dbSNP rs751897039, ClinGen allele CA5581489.
Genomic context (GRCh38, chr10:84,254,376, plus strand): 5'-CTCCCTGTAGAAACTTCACCAGCTTCCTCTTCACCATGTCCTTCTTCAACTTCGCCATGC[C>T]CCTCTTCATCACGATCACTTCCTACAGTCTCATGGAGCAGAAACTGGGGAAGAGTGGCCA-3'
Protein context (NP_001012738.1, residues 178-198): FTMSFFNFAM[Pro188Leu]LFITITSYSL

ClinVar aggregate classification (germline): Uncertain significance (1 of 4 stars; one submission).

Allele frequency attached by ClinVar (database versions not stated): gnomAD exomes below 0.00001; ExAC 0.00001.

Submission:

Labcorp Genetics (formerly Invitae), Labcorp
Classification: Uncertain significance. Last evaluated: 2022-04-15. Review status: criteria provided, single submitter. Criteria: Invitae Variant Classification Sherloc (09022015). Collection method: clinical testing. Allele origin: germline.
Comment: In summary, the available evidence is currently insufficient to determine the role of this variant in disease. Therefore, it has been classified as a Variant of Uncertain Significance. Algorithms developed to predict the effect of missense changes on protein structure and function are either unavailable or do not agree on the potential impact of this missense change (SIFT: "Deleterious"; PolyPhen-2: "Not Available"; Align-GVGD: "Class C65"). This variant has not been reported in the literature in individuals affected with RGR-related conditions. This variant is present in population databases (rs751897039, gnomAD no frequency). This sequence change replaces proline, which is neutral and non-polar, with leucine, which is neutral and non-polar, at codon 188 of the RGR protein (p.Pro188Leu).